The following is an entry in ClinVar:

ClinVar aggregate classification (germline): Pathogenic (1 of 4 stars; one submission).

Submission:

Labcorp Genetics (formerly Invitae), Labcorp
Classification: Pathogenic. Last evaluated: 2024-10-31. Review status: criteria provided, single submitter. Criteria: Invitae Variant Classification Sherloc (09022015). Collection method: clinical testing. Allele origin: germline.
Comment: This sequence change creates a premature translational stop signal (p.Ser270*) in the KERA gene. It is expected to result in an absent or disrupted protein product. Loss-of-function variants in KERA are known to be pathogenic (PMID: 10802664, 16234475, 31059048). This variant is not present in population databases (gnomAD no frequency). This variant has not been reported in the literature in individuals affected with KERA-related conditions. For these reasons, this variant has been classified as Pathogenic.

Literature cited by the submitters: PubMed 10802664; PubMed 16234475; PubMed 31059048.

NM_007035.4(KERA):c.809C>A (p.Ser270Ter)

Gene: KERA (keratocan; minus strand). Cytogenetic location: 12q21.33.
Variant type: single nucleotide variant.
Coding change: c.809C>A on transcript NM_007035.4 (MANE Select); coding-DNA position 809, C replaced by A.
Protein change: p.Ser270Ter; replaces serine 270 with a stop codon.
Molecular consequence: nonsense.
Genome position (GRCh38, 1-based): chr12:91,055,473, G>T on the plus strand (C>A on the coding strand, the complement: KERA is on the minus strand). VCF-style: chr12-91055473-G-T. GRCh37 (hg19) VCF-style: chr12-91449250-G-T.
Other names: short protein forms S270*.
Identifiers: ClinVar variation 3609569 (VCV003609569.2).